The following is an entry in ClinVar:

ClinVar aggregate classification (germline): Likely benign (0 of 4 stars; one submission).

Conditions:
PTRHD1-related disorder. Also called: PTRHD1-related condition.

Submission:

PreventionGenetics, part of Exact Sciences
Classification: Likely benign for PTRHD1-related condition. Last evaluated: 2019-08-13. Review status: no assertion criteria provided. Collection method: clinical testing. Allele origin: germline.
Comment: This variant is classified as likely benign based on ACMG/AMP sequence variant interpretation guidelines (Richards et al. 2015 PMID: 25741868, with internal and published modifications).

NM_001013663.2(PTRHD1):c.141G>C (p.Leu47=)

Genes: PTRHD1 (peptidyl-tRNA hydrolase domain containing 1; minus strand), LOC129933272 (ATAC-STARR-seq lymphoblastoid active region 15435; plus strand). Cytogenetic location: 2p23.3.
Variant type: single nucleotide variant.
Coding change: c.141G>C on transcript NM_001013663.2 (MANE Select); coding-DNA position 141, G replaced by C.
Protein change: p.Leu47=; no amino-acid change (leucine 47 retained).
Molecular consequence: synonymous variant.
Genome position (GRCh38, 1-based): chr2:24,793,237, C>G on the plus strand (G>C on the coding strand, the complement: PTRHD1 is on the minus strand). VCF-style: chr2-24793237-C-G. GRCh37 (hg19) VCF-style: chr2-25016106-C-G.
Identifiers: ClinVar variation 3052613 (VCV003052613.2), dbSNP rs2466316941, ClinGen allele CA425352040.